The following is an entry in ClinVar:

NM_006231.4(POLE):c.6182A>G (p.Gln2061Arg)

Gene: POLE (DNA polymerase epsilon, catalytic subunit; minus strand). Cytogenetic location: 12q24.33.
Variant type: single nucleotide variant.
Coding change: c.6182A>G on transcript NM_006231.4 (MANE Select); coding-DNA position 6182, A replaced by G.
Protein change: p.Gln2061Arg; replaces glutamine 2061 with arginine.
Molecular consequence: missense variant.
Genome position (GRCh38, 1-based): chr12:132,632,463, T>C on the plus strand (A>G on the coding strand, the complement: POLE is on the minus strand). VCF-style: chr12-132632463-T-C. GRCh37 (hg19) VCF-style: chr12-133209049-T-C.
Other names: short protein forms Q2061R.
Identifiers: ClinVar variation 2625245 (VCV002625245.5), dbSNP rs2138461044, ClinGen allele CA387369861.
Genomic context (GRCh38, chr12:132,632,463, plus strand): 5'-GTGGAGTTCCGAGAGCCTGTGACTTTCTTCTGAATCTTCTGAGTGATGGTGAAGAAGCTC[T>C]GAGTGAGCTCATTTGCGACATAATCCTGAGAGAAGGTGATCATTCCTGGAAGTATAAGGA-3'
Protein context (NP_006222.2, residues 2051-2071): SQDYVANELT[Gln2061Arg]SFFTITQKIQ

ClinVar aggregate classification (germline): Uncertain significance. Review status: criteria provided, multiple submitters, no conflicts (2 of 4 stars). 2 submissions from 2 submitters: Uncertain significance (2). Last evaluated 2024-04-16.

Conditions:
Hereditary cancer-predisposing syndrome. Also called: Tumor predisposition; Hereditary Cancer Syndrome; Hereditary neoplastic syndrome; Neoplastic Syndromes, Hereditary. Identifiers: Orphanet 140162, MedGen C0027672, MeSH D009386, MONDO:0015356.

Submissions (2):

Labcorp Genetics (formerly Invitae), Labcorp
Classification: Uncertain significance. Last evaluated: 2024-04-16. Review status: criteria provided, single submitter. Criteria: Invitae Variant Classification Sherloc (09022015). Collection method: clinical testing. Allele origin: germline.
Comment: This sequence change replaces glutamine, which is neutral and polar, with arginine, which is basic and polar, at codon 2061 of the POLE protein (p.Gln2061Arg). This variant is not present in population databases (gnomAD no frequency). This variant has not been reported in the literature in individuals affected with POLE-related conditions. ClinVar contains an entry for this variant (Variation ID: 2625245). Advanced modeling of protein sequence and biophysical properties (such as structural, functional, and spatial information, amino acid conservation, physicochemical variation, residue mobility, and thermodynamic stability) performed at Invitae indicates that this missense variant is not expected to disrupt POLE protein function with a negative predictive value of 80%. In summary, the available evidence is currently insufficient to determine the role of this variant in disease. Therefore, it has been classified as a Variant of Uncertain Significance.

Ambry Genetics
Classification: Uncertain significance for Hereditary cancer-predisposing syndrome. Last evaluated: 2023-08-24. Review status: criteria provided, single submitter. Criteria: Ambry Variant Classification Scheme 2023. Collection method: clinical testing. Allele origin: germline.
Comment: The p.Q2061R variant (also known as c.6182A>G), located in coding exon 45 of the POLE gene, results from an A to G substitution at nucleotide position 6182. The glutamine at codon 2061 is replaced by arginine, an amino acid with highly similar properties. This amino acid position is conserved. In addition, the in silico prediction for this alteration is inconclusive. Since supporting evidence is limited at this time, the clinical significance of this alteration remains unclear.